The following is an entry in ClinVar:

ClinVar aggregate classification (germline): Uncertain significance (1 of 4 stars; one submission).

Conditions:
Hypertrophic cardiomyopathy. Also called: HYPERTROPHIC MYOCARDIOPATHY. Identifiers: Orphanet 217569, MedGen C0007194, MeSH D002312, MONDO:0005045, HP:0001639.

gnomAD v4.1: 1 of 1,612,474 alleles (0.000062%); highest among the groups gnomAD compares: Non-Finnish European, 0.000085%; no homozygotes.

Submission:

Labcorp Genetics (formerly Invitae), Labcorp
Classification: Uncertain significance for Hypertrophic cardiomyopathy. Last evaluated: 2022-10-17. Review status: criteria provided, single submitter. Criteria: Invitae Variant Classification Sherloc (09022015). Collection method: clinical testing. Allele origin: germline.
Comment: This variant is not present in population databases (gnomAD no frequency). In summary, the available evidence is currently insufficient to determine the role of this variant in disease. Therefore, it has been classified as a Variant of Uncertain Significance. Algorithms developed to predict the effect of missense changes on protein structure and function are either unavailable or do not agree on the potential impact of this missense change (SIFT: "Tolerated"; PolyPhen-2: "Probably Damaging"; Align-GVGD: "Class C0"). ClinVar contains an entry for this variant (Variation ID: 1021063). This variant has not been reported in the literature in individuals affected with TPM1-related conditions. This sequence change replaces isoleucine, which is neutral and non-polar, with methionine, which is neutral and non-polar, at codon 146 of the TPM1 protein (p.Ile146Met).

NM_001018005.2(TPM1):c.438C>G (p.Ile146Met)

Gene: TPM1 (tropomyosin 1; plus strand). Cytogenetic location: 15q22.2.
Variant type: single nucleotide variant.
Coding change: c.438C>G on transcript NM_001018005.2 (MANE Select); coding-DNA position 438, C replaced by G.
Protein change: p.Ile146Met; replaces isoleucine 146 with methionine.
Molecular consequence: missense variant.
Genome position (GRCh38, 1-based): chr15:63,059,626, C>G. VCF-style: chr15-63059626-C-G. GRCh37 (hg19) VCF-style: chr15-63351825-C-G.
Other names: c.438C>G, p.Ile146Met (NM_000366.6, NM_001018004.2, NM_001018006.2 and 6 more transcripts); c.330C>G, p.Ile110Met (NM_001018008.2, NM_001301289.2, NM_001330344.2 and 5 more transcripts); c.564C>G, p.Ile188Met (NM_001365778.1); short protein forms I110M, I146M, I188M.
Identifiers: ClinVar variation 1021063 (VCV001021063.10), dbSNP rs1460142862, ClinGen allele CA392722242.
Genomic context (GRCh38, chr15:63,059,626, plus strand): 5'-CATGAAAGTCATTGAGAGTCGAGCCCAAAAAGATGAAGAAAAAATGGAAATTCAGGAGAT[C>G]CAACTGAAAGAGGCCAAGCACATTGCTGAAGATGCCGACCGCAAATATGAAGAGGTCAGA-3'
Protein context (NP_001018005.1, residues 136-156): KDEEKMEIQE[Ile146Met]QLKEAKHIAE